The following is an entry in ClinVar:

ClinVar aggregate classification (germline): Conflicting classifications of pathogenicity. Review status: criteria provided, conflicting classifications (1 of 4 stars). 2 submissions from 2 submitters: Uncertain significance (1); Likely benign (1). Last evaluated 2026-07-09.

Conditions:
Dilated cardiomyopathy 1DD (CMD1DD). Identifiers: Orphanet 154, MedGen C2750995, MONDO:0013168, OMIM 613172.
Cardiovascular phenotype. Identifiers: MedGen CN230736.

Allele frequency attached by ClinVar (database versions not stated): ExAC 0.00005; TOPMed 0.00001; gnomAD 0.00002.
gnomAD v4.1: 5 of 1,551,608 alleles (0.00032%); highest among the groups gnomAD compares: East Asian, 0.0024%; no homozygotes.

Submissions (2):

Ambry Genetics
Classification: Uncertain significance for Cardiovascular phenotype. Last evaluated: 2026-07-09. Review status: criteria provided, single submitter. Criteria: Ambry Variant Classification Scheme 2023. Collection method: clinical testing. Allele origin: germline.
Comment: The p.T1071I variant (also known as c.3212C>T), located in coding exon 11 of the RBM20 gene, results from a C to T substitution at nucleotide position 3212. The threonine at codon 1071 is replaced by isoleucine, an amino acid with similar properties. This amino acid position is conserved. In addition, this alteration is predicted to be tolerated by in silico analysis. Based on the available evidence, the clinical significance of this variant remains unclear.

Labcorp Genetics (formerly Invitae), Labcorp
Classification: Likely benign for Dilated cardiomyopathy 1DD. Last evaluated: 2023-11-01. Review status: criteria provided, single submitter. Criteria: Invitae Variant Classification Sherloc (09022015). Collection method: clinical testing. Allele origin: germline.

NM_001134363.3(RBM20):c.3212C>T (p.Thr1071Ile)

Gene: RBM20 (RNA binding motif protein 20; plus strand). Cytogenetic location: 10q25.2.
Variant type: single nucleotide variant.
Coding change: c.3212C>T on transcript NM_001134363.3 (MANE Select); coding-DNA position 3212, C replaced by T.
Protein change: p.Thr1071Ile; replaces threonine 1071 with isoleucine.
Molecular consequence: missense variant.
Genome position (GRCh38, 1-based): chr10:110,821,831, C>T. VCF-style: chr10-110821831-C-T. GRCh37 (hg19) VCF-style: chr10-112581589-C-T.
Other names: short protein forms T1071I.
Identifiers: ClinVar variation 2764638 (VCV002764638.4), dbSNP rs780960820, ClinGen allele CA5688738.